The following is an entry in ClinVar:

NM_000334.4(SCN4A):c.5240T>C (p.Met1747Thr)

Genes: SCN4A (sodium voltage-gated channel alpha subunit 4; minus strand), GH-LCR (growth hormone locus control region; plus strand). Cytogenetic location: 17q23.3.
Variant type: single nucleotide variant.
Coding change: c.5240T>C on transcript NM_000334.4 (MANE Select); coding-DNA position 5240, T replaced by C.
Protein change: p.Met1747Thr; replaces methionine 1747 with threonine.
Molecular consequence: missense variant.
Genome position (GRCh38, 1-based): chr17:63,941,042, A>G on the plus strand (T>C on the coding strand, the complement: SCN4A is on the minus strand). VCF-style: chr17-63941042-A-G. GRCh37 (hg19) VCF-style: chr17-62018402-A-G.
Other names: short protein forms M1747T.
Identifiers: ClinVar variation 2729092 (VCV002729092.3), dbSNP rs780708769, ClinGen allele CA8708803.

ClinVar aggregate classification (germline): Uncertain significance (1 of 4 stars; one submission).

Conditions:
Hyperkalemic periodic paralysis. Also called: Familial hyperkalemic periodic paralysis; Gamstorp disease. Identifiers: Orphanet 682, MedGen C0238357, MONDO:0008224, OMIM 170500, HP:0007215.

Allele frequency attached by ClinVar (database versions not stated): gnomAD exomes 0.00002; TOPMed 0.00002; ExAC 0.00003; gnomAD 0.00003.

Submission:

Labcorp Genetics (formerly Invitae), Labcorp
Classification: Uncertain significance for Hyperkalemic periodic paralysis. Last evaluated: 2023-10-18. Review status: criteria provided, single submitter. Criteria: Invitae Variant Classification Sherloc (09022015). Collection method: clinical testing. Allele origin: germline.
Comment: This sequence change replaces methionine, which is neutral and non-polar, with threonine, which is neutral and polar, at codon 1747 of the SCN4A protein (p.Met1747Thr). This variant is present in population databases (rs780708769, gnomAD 0.005%). This variant has not been reported in the literature in individuals affected with SCN4A-related conditions. Advanced modeling of protein sequence and biophysical properties (such as structural, functional, and spatial information, amino acid conservation, physicochemical variation, residue mobility, and thermodynamic stability) performed at Invitae indicates that this missense variant is not expected to disrupt SCN4A protein function. In summary, the available evidence is currently insufficient to determine the role of this variant in disease. Therefore, it has been classified as a Variant of Uncertain Significance.